The following is an entry in ClinVar:

NM_002755.4(MAP2K1):c.80+6T>C

Gene: MAP2K1 (mitogen-activated protein kinase kinase 1; plus strand). Cytogenetic location: 15q22.31.
Variant type: single nucleotide variant.
Coding change: c.80+6T>C on transcript NM_002755.4 (MANE Select); 6 bases into the intron after coding-DNA position 80, T replaced by C.
Molecular consequence: intron variant.
Genome position (GRCh38, 1-based): chr15:66,387,433, T>C. VCF-style: chr15-66387433-T-C. GRCh37 (hg19) VCF-style: chr15-66679771-T-C.
Identifiers: ClinVar variation 2857741 (VCV002857741.3), dbSNP rs2545000891, ClinGen allele CA2629080645.
Genomic context (GRCh38, chr15:66,387,433, plus strand): 5'-TCCAGCTGAACCCGGCCCCCGACGGCTCTGCAGTTAACGGGACCAGCTCTGCGGAGTAAG[T>C]ATGGGGCGGGCGGTGAACCTCGGGGCCCGGCTGGGGAGGCCCGAGCCGGGGAGCAGGAGC-3'

ClinVar aggregate classification (germline): Uncertain significance (1 of 4 stars; one submission).

Conditions:
RASopathy. Also called: Noonan spectrum disorder; rasopathies. Identifiers: Orphanet 536391, MedGen C5555857, MONDO:0021060.

Submission:

Labcorp Genetics (formerly Invitae), Labcorp
Classification: Uncertain significance for RASopathy. Last evaluated: 2023-10-04. Review status: criteria provided, single submitter. Criteria: Invitae Variant Classification Sherloc (09022015). Collection method: clinical testing. Allele origin: germline.
Comment: This sequence change falls in intron 1 of the MAP2K1 gene. It does not directly change the encoded amino acid sequence of the MAP2K1 protein. It affects a nucleotide within the consensus splice site. This variant is not present in population databases (gnomAD no frequency). This variant has not been reported in the literature in individuals affected with MAP2K1-related conditions. Variants that disrupt the consensus splice site are a relatively common cause of aberrant splicing (PMID: 17576681, 9536098). Algorithms developed to predict the effect of sequence changes on RNA splicing suggest that this variant may create or strengthen a splice site. In summary, the available evidence is currently insufficient to determine the role of this variant in disease. Therefore, it has been classified as a Variant of Uncertain Significance.

Literature cited by the submitters: PubMed 17576681; PubMed 9536098.